The following is an entry in ClinVar:

NM_003872.3(NRP2):c.1719A>G (p.Val573=)

Gene: NRP2 (neuropilin 2; plus strand). Cytogenetic location: 2q33.3.
Variant type: single nucleotide variant.
Coding change: c.1719A>G on transcript NM_003872.3 (MANE Select); coding-DNA position 1719, A replaced by G.
Protein change: p.Val573=; no amino-acid change (valine 573 retained).
Molecular consequence: synonymous variant.
Genome position (GRCh38, 1-based): chr2:205,745,823, A>G. VCF-style: chr2-205745823-A-G. GRCh37 (hg19) VCF-style: chr2-206610547-A-G.
Other names: c.1719A>G, p.Val573= (NM_018534.4, NM_201266.2, NM_201267.2 and 1 more transcripts).
Identifiers: ClinVar variation 794116 (VCV000794116.4), dbSNP rs767989880, ClinGen allele CA2069173.

ClinVar aggregate classification (germline): Likely benign. Review status: criteria provided, single submitter (1 of 4 stars). 2 submissions from 2 submitters: Likely benign (1). 1 of the submissions does not count toward it. Last evaluated 2018-11-06.

Conditions:
NRP2-related disorder. Also called: NRP2-related condition.

Allele frequency attached by ClinVar (database versions not stated): gnomAD 0.00001; TOPMed 0.00001.
gnomAD v4.1: 14 of 1,614,108 alleles (0.00087%); highest among the groups gnomAD compares: Non-Finnish European, 0.0012%; no homozygotes.

Submissions (2):

Labcorp Genetics (formerly Invitae), Labcorp
Classification: Likely benign. Last evaluated: 2018-11-06. Review status: criteria provided, single submitter. Criteria: Invitae Variant Classification Sherloc (09022015). Collection method: clinical testing. Allele origin: germline.

PreventionGenetics, part of Exact Sciences
Classification: Likely benign for NRP2-related condition. Last evaluated: 2023-03-11. Review status: no assertion criteria provided. Collection method: clinical testing. Allele origin: germline. Not counted in ClinVar's aggregate classification.
Comment: This variant is classified as likely benign based on ACMG/AMP sequence variant interpretation guidelines (Richards et al. 2015 PMID: 25741868, with internal and published modifications).